The following is an entry in ClinVar:

ClinVar aggregate classification (germline): Uncertain significance. Review status: criteria provided, multiple submitters, no conflicts (2 of 4 stars). 2 submissions from 2 submitters: Uncertain significance (2). Last evaluated 2026-03-31.

Conditions:
Supravalvar aortic stenosis (SVAS). Also called: Supravalvar aortic stenosis, Eisenberg type. Identifiers: Orphanet 3193, MedGen C0003499, MONDO:0008504, OMIM 185500, HP:0004381.

Submissions (2):

GeneDx
Classification: Uncertain significance. Last evaluated: 2026-03-31. Review status: criteria provided, single submitter. Criteria: GeneDx Variant Classification Process June 2021. Collection method: clinical testing. Allele origin: germline.
Comment: Not observed at significant frequency in large population cohorts (gnomAD); In silico analysis suggests that this missense variant does not alter protein structure/function; Has not been previously published as pathogenic or benign to our knowledge

Labcorp Genetics (formerly Invitae), Labcorp
Classification: Uncertain significance for Supravalvar aortic stenosis. Last evaluated: 2026-01-30. Review status: criteria provided, single submitter. Criteria: Invitae Variant Classification Sherloc (09022015). Collection method: clinical testing. Allele origin: germline.
Comment: This sequence change replaces valine, which is neutral and non-polar, with methionine, which is neutral and non-polar, at codon 514 of the ELN protein (p.Val514Met). This variant is present in population databases (no rsID available, gnomAD 0.002%). This variant has not been reported in the literature in individuals affected with ELN-related conditions. ClinVar contains an entry for this variant (Variation ID: 3696330). Invitae Evidence Modeling of protein sequence and biophysical properties (such as structural, functional, and spatial information, amino acid conservation, physicochemical variation, residue mobility, and thermodynamic stability) indicates that this missense variant is not expected to disrupt ELN protein function with a negative predictive value of 80%. In summary, the available evidence is currently insufficient to determine the role of this variant in disease. Therefore, it has been classified as a Variant of Uncertain Significance.

NM_000501.4(ELN):c.1453G>A (p.Val485Met)

Genes: ELN (elastin; plus strand), ELN-AS1 (ELN antisense RNA 1; minus strand). Cytogenetic location: 7q11.23.
Variant type: single nucleotide variant.
Coding change: c.1453G>A on transcript NM_000501.4 (MANE Select); coding-DNA position 1453, G replaced by A.
Protein change: p.Val485Met; replaces valine 485 with methionine.
Molecular consequence: missense variant. On other transcripts: non-coding transcript variant (1).
Genome position (GRCh38, 1-based): chr7:74,059,924, G>A. VCF-style: chr7-74059924-G-A. GRCh37 (hg19) VCF-style: chr7-73474254-G-A.
Other names: c.1366G>A, p.Val456Met (NM_001081752.3); c.1411G>A, p.Val471Met (NM_001081753.3); c.1468G>A, p.Val490Met (NM_001081754.3); c.1396G>A, p.Val466Met (NM_001081755.3); c.1453G>A, p.Val485Met (NM_001278912.2); c.1210G>A, p.Val404Met (NM_001278913.2); c.1381G>A, p.Val461Met (NM_001278914.2); c.1471G>A, p.Val491Met (NM_001278915.2); and 5 more; short protein forms V461M, V475M, V490M, V396M, V456M, V485M, V404M, V452M.
Identifiers: ClinVar variation 3696330 (VCV003696330.3).